The following is an entry in ClinVar:

ClinVar aggregate classification (germline): Uncertain significance (1 of 4 stars; one submission).

Conditions:
VPS13B-related disorder. Also called: VPS13B-related condition.

Submission:

PreventionGenetics, part of Exact Sciences
Classification: Uncertain significance for VPS13B-related condition. Last evaluated: 2025-09-03. Review status: criteria provided, single submitter. Criteria: ACMG Guidelines, 2015. Collection method: clinical testing. Allele origin: germline.
Comment: The VPS13B c.8399G>A variant is predicted to result in the amino acid substitution p.Cys2800Tyr. To our knowledge, this variant has not been reported in the literature or in a large population database (gnomAD), indicating this variant is rare. At this time, the clinical significance of this variant is uncertain due to the absence of conclusive functional and genetic evidence.

NM_152564.5(VPS13B):c.8399G>A (p.Cys2800Tyr)

Gene: VPS13B (vacuolar protein sorting 13 homolog B; plus strand). Cytogenetic location: 8q22.2.
Variant type: single nucleotide variant.
Coding change: c.8399G>A on transcript NM_152564.5 (MANE Select); coding-DNA position 8399, G replaced by A.
Protein change: p.Cys2800Tyr; replaces cysteine 2800 with tyrosine.
Molecular consequence: missense variant.
Genome position (GRCh38, 1-based): chr8:99,818,488, G>A. VCF-style: chr8-99818488-G-A. GRCh37 (hg19) VCF-style: chr8-100830716-G-A.
Other names: c.8474G>A, p.Cys2825Tyr (NM_017890.5); short protein forms C2800Y, C2825Y.
Identifiers: ClinVar variation 4991801 (VCV004991801.1).